The following is an entry in ClinVar:

ClinVar aggregate classification (germline): Pathogenic (1 of 4 stars; one submission).

Conditions:
Hereditary factor VIII deficiency disease (HEMA). Also called: AUTOSOMAL HEMOPHILIA A; Hemophilia A, congenital; HEM A; Factor 8 deficiency, congenital; HEMOPHILIA, CLASSIC; Hemophilia A. Identifiers: Orphanet 98878, MedGen C0019069, MONDO:0010602, OMIM 306700.

Allele frequency attached by ClinVar (database versions not stated): TOPMed 0.00002.

Submissions (2):

ARUP Laboratories, Molecular Genetics and Genomics, ARUP Laboratories
Classification: Pathogenic for Hereditary factor VIII deficiency disease. Last evaluated: 2020-08-05. Review status: criteria provided, single submitter. Criteria: ARUP Molecular Germline Variant Investigation Process. Collection method: clinical testing. Allele origin: germline.
Comment: The F8 c.5219+1G>A variant (rs1280131174) is reported in the literature in several individuals with hemophilia A (Johnsen 2017, Guillet 2006). This variant is absent from general population databases (Exome Variant Server, Genome Aggregation Database), indicating it is not a common polymorphism. This variant disrupts the canonical splice donor site of intron 14 which is likely to negatively impact gene function. Considering available information, this variant is classified as pathogenic. References: Guillet B et al. Detection of 95 novel mutations in coagulation factor VIII gene F8 responsible for hemophilia A: results from a single institution. Hum Mutat. 2006;27(7):676-685. Johnsen JM et al. Novel approach to genetic analysis and results in 3000 hemophilia patients enrolled in the My Life, Our Future initiative. Blood Adv. 2017;1(13):824-834.

Dr. Peter K. Rogan Lab, Western University
No classification provided (evidence only). Condition: Nonpapillary renal cell carcinoma. Review status: no classification provided. Collection method: in vitro. Allele origin: not applicable. Functional consequence: retained intron. Not counted in ClinVar's aggregate classification.

NM_000132.4(F8):c.5219+1G>A

Gene: F8 (coagulation factor VIII; minus strand). Cytogenetic location: Xq28.
Variant type: single nucleotide variant.
Coding change: c.5219+1G>A on transcript NM_000132.4 (MANE Select); the canonical splice donor site of the intron after coding-DNA position 5219, G replaced by A.
Molecular consequence: splice donor variant.
Genome position (GRCh38, 1-based): chrX:154,928,570, C>T on the plus strand (G>A on the coding strand, the complement: F8 is on the minus strand). VCF-style: chrX-154928570-C-T. GRCh37 (hg19) VCF-style: chrX-154156845-C-T.
Identifiers: ClinVar variation 993734 (VCV000993734.9), dbSNP rs1280131174, ClinGen allele CA414913420.